The following is an entry in ClinVar:

ClinVar aggregate classification (germline): Uncertain significance (1 of 4 stars; one submission).

Conditions:
Cardiomyopathy (CMYO). Also called: Cardiomyopathies. Identifiers: Orphanet 167848, MedGen C0878544, MONDO:0004994, HP:0001638. Inheritance: Various modes of inheritance.

gnomAD v4.1: 1 of 1,613,712 alleles (0.000062%); highest among the groups gnomAD compares: Admixed American, 0.0017%; no homozygotes.

Submission:

Color Diagnostics, LLC DBA Color Health
Classification: Uncertain significance for Cardiomyopathy. Last evaluated: 2021-11-22. Review status: criteria provided, single submitter. Criteria: ACMG Guidelines, 2015. Collection method: clinical testing. Allele origin: germline.
Comment: This missense variant replaces valine with leucine at codon 629 of the lamin A protein. Computational prediction suggests that this variant may not impact protein structure and function (internally defined REVEL score threshold <= 0.5, PMID: 27666373). To our knowledge, functional studies have not been reported for this variant. This variant has not been reported in individuals affected with cardiovascular disorders in the literature. This variant has been identified in 1/248404 chromosomes in the general population by the Genome Aggregation Database (gnomAD). The available evidence is insufficient to determine the role of this variant in disease conclusively. Therefore, this variant is classified as a Variant of Uncertain Significance.

NM_170707.4(LMNA):c.1885G>T (p.Val629Leu)

Gene: LMNA (lamin A/C; plus strand). Cytogenetic location: 1q22.
Variant type: single nucleotide variant.
Coding change: c.1885G>T on transcript NM_170707.4 (MANE Select); coding-DNA position 1885, G replaced by T.
Protein change: p.Val629Leu; replaces valine 629 with leucine.
Molecular consequence: missense variant. On other transcripts: intron variant (1).
Genome position (GRCh38, 1-based): chr1:156,138,674, G>T. VCF-style: chr1-156138674-G-T. GRCh37 (hg19) VCF-style: chr1-156108465-G-T.
Other names: c.1549G>T, p.Val517Leu (NM_001257374.3, NM_001406989.1); c.1885G>T, p.Val629Leu (NM_001406983.1, NM_001406985.1, NM_001406991.1); c.1642G>T, p.Val548Leu (NM_001406986.1, NM_001406987.1); c.1588G>T, p.Val530Leu (NM_001406988.1); c.1327G>T, p.Val443Leu (NM_001406990.1, NM_001406993.1, NM_001406995.1 and 2 more transcripts); c.1261G>T, p.Val421Leu (NM_001406994.1, NM_001406999.1, NM_001407000.1 and 1 more transcripts); c.1795G>T, p.Val599Leu (NM_170708.4); c.1818+67G>T (NM_001282626.2); short protein forms V421L, V530L, V548L, V517L, V629L, V443L, V599L.
Identifiers: ClinVar variation 2773556 (VCV002773556.2), dbSNP rs1288315740, ClinGen allele CA342827625.